The following is an entry in ClinVar:

NM_020778.5(ALPK3):c.2936G>A (p.Gly979Glu)

Gene: ALPK3 (alpha kinase 3; plus strand). Cytogenetic location: 15q25.3.
Variant type: single nucleotide variant.
Coding change: c.2936G>A on transcript NM_020778.5 (MANE Select); coding-DNA position 2936, G replaced by A.
Protein change: p.Gly979Glu; replaces glycine 979 with glutamic acid.
Molecular consequence: missense variant.
Genome position (GRCh38, 1-based): chr15:84,857,674, G>A. VCF-style: chr15-84857674-G-A. GRCh37 (hg19) VCF-style: chr15-85400905-G-A.
Other names: c.3542G>A (NM_020778.4); short protein forms G979E.
Identifiers: ClinVar variation 4743798 (VCV004743798.2).

ClinVar aggregate classification (germline): Uncertain significance. Review status: criteria provided, multiple submitters, no conflicts (2 of 4 stars). 2 submissions from 2 submitters: Uncertain significance (2). Last evaluated 2026-02-13.

Conditions:
Cardiovascular phenotype. Identifiers: MedGen CN230736.

gnomAD v4.1: 3 of 1,607,776 alleles (0.00019%); highest among the groups gnomAD compares: Non-Finnish European, 0.00017%; no homozygotes.

Submissions (2):

Ambry Genetics
Classification: Uncertain significance for Cardiovascular phenotype. Last evaluated: 2026-02-13. Review status: criteria provided, single submitter. Criteria: Ambry Variant Classification Scheme 2023. Collection method: clinical testing. Allele origin: germline.
Comment: The p.G1181E variant (also known as c.3542G>A), located in coding exon 6 of the ALPK3 gene, results from a G to A substitution at nucleotide position 3542. The glycine at codon 1181 is replaced by glutamic acid, an amino acid with similar properties. This amino acid position is conserved. In addition, this alteration is predicted to be tolerated by in silico analysis. Based on the available evidence, the clinical significance of this variant remains unclear.

Labcorp Genetics (formerly Invitae), Labcorp
Classification: Uncertain significance. Last evaluated: 2025-09-28. Review status: criteria provided, single submitter. Criteria: Invitae Variant Classification Sherloc (09022015). Collection method: clinical testing. Allele origin: germline.
Comment: This sequence change replaces glycine, which is neutral and non-polar, with glutamic acid, which is acidic and polar, at codon 1181 of the ALPK3 protein (p.Gly1181Glu). This variant is not present in population databases (gnomAD no frequency). This variant has not been reported in the literature in individuals affected with ALPK3-related conditions. Invitae Evidence Modeling of protein sequence and biophysical properties (such as structural, functional, and spatial information, amino acid conservation, physicochemical variation, residue mobility, and thermodynamic stability) indicates that this missense variant is not expected to disrupt ALPK3 protein function with a negative predictive value of 80%. In summary, the available evidence is currently insufficient to determine the role of this variant in disease. Therefore, it has been classified as a Variant of Uncertain Significance.